The following is an entry in ClinVar:

ClinVar aggregate classification (germline): Pathogenic/Likely pathogenic. Review status: criteria provided, multiple submitters, no conflicts (2 of 4 stars). 6 submissions from 6 submitters: Pathogenic (2); Likely pathogenic (3). 1 of the submissions does not count toward it. Last evaluated 2025-12-30.

Conditions:
Mucopolysaccharidosis, MPS-III-C (MPS3C). Also called: SANFILIPPO SYNDROME C; MPS III C; MUCOPOLYSACCHARIDOSIS, TYPE IIIC; Mucopolysaccharidosis type IIIC (Sanfilippo C); MPS IIIC (Sanfilippo Syndrome Type C); mucopolysaccharidosis type 3C. Identifiers: Orphanet 581, Orphanet 79271, MedGen C0086649, MONDO:0009657, OMIM 252930.
Retinitis pigmentosa 73 (RP73). Identifiers: Orphanet 791, MedGen C4225287, MONDO:0014687, OMIM 616544.
HGSNAT-related disorders.

Allele frequency attached by ClinVar (database versions not stated): ExAC 0.00002; gnomAD exomes 0.00004 and 0.00002; TOPMed below 0.00001; gnomAD 0.00004 and 0.00003.
gnomAD v4.1: 31 of 1,613,752 alleles (0.0019%); highest among the groups gnomAD compares: East Asian, 0.0067%; no homozygotes.

Submissions (6):

Natera, Inc.
Classification: Likely pathogenic for Mucopolysaccharidosis type IIIC. Last evaluated: 2025-12-30. Review status: criteria provided, single submitter. Criteria: Natera Variant Classification Schema (03/2026). Collection method: clinical testing. Allele origin: germline.
Comment: The c.1031G>A variant in HGSNAT is a missense variant predicted to cause substitution of arginine to histidine at amino acid 344. This variant is rare in the general population with a frequency below the threshold expected for the associated phenotype(s). This variant has been observed in one or more individuals affected with the associated recessive disease, as either homozygous or compound heterozygous with a second variant (PMID: 19823584, 37596900, 35887114). Functional studies show that this variant may disrupt protein function (PMID: 19823584). A different variant at the same position has been determined to be Pathogenic or Likely Pathogenic. Computational prediction algorithms indicate this variant is likely to affect gene or protein function. Given the available evidence, this variant is classified as Likely Pathogenic.

GeneDx
Classification: Likely pathogenic. Last evaluated: 2025-08-29. Review status: criteria provided, single submitter. Criteria: GeneDx Variant Classification Process June 2021. Collection method: clinical testing. Allele origin: germline. Affected: yes.
Comment: Published functional studies demonstrate reduced enzyme activity with a misfolded and abnormally glycosylated protein that was not targeted to the lysosome and instead retained in the endoplasmic reticulum (PMID: 19823584); In silico analysis supports that this missense variant has a deleterious effect on protein structure/function; This variant is associated with the following publications: (PMID: 27491071, 19479962, 19823584, 35887114, 17033958, 37596900, 37961489, 20825431)

Labcorp Genetics (formerly Invitae), Labcorp
Classification: Pathogenic for Retinitis pigmentosa 73; Mucopolysaccharidosis, MPS-III-C. Last evaluated: 2025-03-17. Review status: criteria provided, single submitter. Criteria: Invitae Variant Classification Sherloc (09022015). Collection method: clinical testing. Allele origin: germline.
Comment: This sequence change replaces arginine, which is basic and polar, with histidine, which is basic and polar, at codon 344 of the HGSNAT protein (p.Arg344His). This variant is present in population databases (rs766835582, gnomAD 0.02%). This missense change has been observed in individual(s) with mucopolysaccharidosis type III (PMID: 17033958). This variant is also known as c.1115G>A (p.R372H). ClinVar contains an entry for this variant (Variation ID: 551378). Invitae Evidence Modeling of protein sequence and biophysical properties (such as structural, functional, and spatial information, amino acid conservation, physicochemical variation, residue mobility, and thermodynamic stability) indicates that this missense variant is expected to disrupt HGSNAT protein function with a positive predictive value of 95%. This variant disrupts the p.Arg344 amino acid residue in HGSNAT. Other variant(s) that disrupt this residue have been determined to be pathogenic (PMID: 17033958, 18024218). This suggests that this residue is clinically significant, and that variants that disrupt this residue are likely to be disease-causing. For these reasons, this variant has been classified as Pathogenic.

Blueprint Genetics
Classification: Likely pathogenic for HGSNAT-related disorders. Last evaluated: 2024-05-28. Review status: criteria provided, single submitter. Criteria: ACMG Guidelines, 2015. Collection method: clinical testing. Allele origin: germline. Affected: yes. Observed: 5 variant alleles.

Lifecell International Pvt. Ltd
Classification: Pathogenic for Mucopolysaccharidosis, MPS-III-C. Review status: criteria provided, single submitter. Criteria: ACMG Guidelines, 2015. Collection method: clinical testing. Allele origin: germline. Inheritance: Autosomal recessive inheritance. Affected: yes. Observed: 1 homozygote.
Comment: A Homozygote Missense variant c.1031G>A in Exon 11 of the HGSNAT gene that results in the amino acid substitution p.Arg344His was identified. The observed variant has a maximum allele frequency of 0.00004/0.00003% in gnomAD exomes and genomes, respectively. The severity of the impact of this variant on the protein is medium, based on the effect of the protein and REVEL score . Rare Exome Variant Ensemble Learner (REVEL) is an ensembl method for predicting the pathogenicity of missense variants based on a combination of scores from 13 individual tools: MutPred, FATHMM v2.3, VEST 3.0, PolyPhen-2, SIFT, PROVEAN, MutationAssessor, MutationTaster, LRT, GERP++, SiPhy, phyloP, and phastCons. The REVEL score for an individual missense variant can range from 0 to 1, with higher scores reflecting greater likelihood that the variant is disease-causing. ClinVar has also classified this variant as Pathogenic/LikelyPathogenic(Variant ID 551378 ).This variant has been previously reported in Mathew F et al., 2009. Based on the above evidence this variant has been classified as Pathogenic according to the ACMG guidelines.

Counsyl
Classification: Likely pathogenic for Mucopolysaccharidosis, MPS-III-C. Last evaluated: 2017-04-05. Review status: no assertion criteria provided. Collection method: clinical testing. Allele origin: unknown. Not counted in ClinVar's aggregate classification.

Literature cited by the submitters: PubMed 19823584 (cited by Natera, Inc. and Counsyl); PubMed 37596900 (cited by Natera, Inc.); PubMed 35887114 (cited by Natera, Inc.); PubMed 17033958 (cited by Labcorp Genetics (formerly Invitae), Labcorp and Counsyl); PubMed 18024218 (cited by Labcorp Genetics (formerly Invitae), Labcorp); PubMed 19479962 (cited by Lifecell International Pvt. Ltd and Counsyl).

NM_152419.3(HGSNAT):c.1031G>A (p.Arg344His)

Gene: HGSNAT (heparan-alpha-glucosaminide N-acetyltransferase; plus strand). Cytogenetic location: 8p11.21.
Variant type: single nucleotide variant.
Coding change: c.1031G>A on transcript NM_152419.3 (MANE Select); coding-DNA position 1031, G replaced by A.
Protein change: p.Arg344His; replaces arginine 344 with histidine.
Molecular consequence: missense variant.
Genome position (GRCh38, 1-based): chr8:43,182,163, G>A. VCF-style: chr8-43182163-G-A. GRCh37 (hg19) VCF-style: chr8-43037306-G-A.
Other names: c.1031G>A, p.Arg344His (NM_001363227.2); c.839G>A, p.Arg280His (NM_001363228.2); c.167G>A, p.Arg56His (NM_001363229.2); short protein forms R344H, R280H, R56H.
Identifiers: ClinVar variation 551378 (VCV000551378.16), dbSNP rs766835582, ClinGen allele CA4736734.